The following is an entry in ClinVar:

NM_001267550.2(TTN):c.103374C>A (p.Tyr34458Ter)

Genes: TTN (titin; minus strand), TTN-AS1 (TTN antisense RNA 1; plus strand). Cytogenetic location: 2q31.2.
Variant type: single nucleotide variant.
Coding change: c.103374C>A on transcript NM_001267550.2 (MANE Select); coding-DNA position 103374, C replaced by A.
Protein change: p.Tyr34458Ter; replaces tyrosine 34458 with a stop codon.
Molecular consequence: nonsense.
Genome position (GRCh38, 1-based): chr2:178,533,241, G>T on the plus strand (C>A on the coding strand, the complement: TTN is on the minus strand). VCF-style: chr2-178533241-G-T. GRCh37 (hg19) VCF-style: chr2-179397968-G-T.
Other names: c.98451C>A, p.Tyr32817Ter (NM_001256850.1); c.76179C>A, p.Tyr25393Ter (NM_003319.4); c.95670C>A, p.Tyr31890Ter (NM_133378.4); c.76554C>A, p.Tyr25518Ter (NM_133432.3); c.76755C>A, p.Tyr25585Ter (NM_133437.4); short protein forms Y34458*, Y32817*, Y25393*, Y25585*, Y25518*, Y31890*.
Identifiers: ClinVar variation 404937 (VCV000404937.13), dbSNP rs1060500505, ClinGen allele CA16610211.

ClinVar aggregate classification (germline): Likely pathogenic. Review status: criteria provided, multiple submitters, no conflicts (2 of 4 stars). 2 submissions from 2 submitters: Likely pathogenic (2). Last evaluated 2025-07-21.

Conditions:
Dilated cardiomyopathy 1G (CMD1G). Identifiers: Orphanet 154, MedGen C1858763, MONDO:0011400, OMIM 604145.
Autosomal recessive limb-girdle muscular dystrophy type 2J (LGMDR10). Also called: Limb-girdle muscular dystrophy, type 2J; MUSCULAR DYSTROPHY, LIMB-GIRDLE, AUTOSOMAL RECESSIVE 10. Identifiers: Orphanet 140922, MedGen C1837342, MONDO:0012127, OMIM 608807.

Submissions (2):

Labcorp Genetics (formerly Invitae), Labcorp
Classification: Likely pathogenic for Dilated cardiomyopathy 1G; Autosomal recessive limb-girdle muscular dystrophy type 2J. Last evaluated: 2025-07-21. Review status: criteria provided, single submitter. Criteria: Invitae Variant Classification Sherloc (09022015). Collection method: clinical testing. Allele origin: germline.
Comment: This sequence change creates a premature translational stop signal (p.Tyr34458*) in the TTN gene. While this is not anticipated to result in nonsense mediated decay, it is expected to create a truncated TTN protein. This variant is not present in population databases (gnomAD no frequency). This variant has not been reported in the literature in individuals affected with TTN-related conditions. ClinVar contains an entry for this variant (Variation ID: 404937). This variant is located in the M band of TTN (PMID: 25589632). Truncating variants in this region have been previously reported in individuals affected with autosomal dominant or autosomal recessive myopathy and muscular dystrophy (PMID: 18948003, 23975875, 24395473). Truncating variants in this region have also been identified in individuals affected with autosomal dominant dilated cardiomyopathy and/or cardio-related conditions (PMID: 27869827, 32964742, internal data). In summary, the currently available evidence indicates that the variant is pathogenic, but additional data are needed to prove that conclusively. Therefore, this variant has been classified as Likely Pathogenic.

AiLife Diagnostics
Classification: Likely pathogenic. Last evaluated: 2021-08-02. Review status: criteria provided, single submitter. Criteria: ACMG Guidelines, 2015. Collection method: clinical testing. Allele origin: germline. Affected: yes. Observed: 1 variant allele.

Literature cited by the submitters: PubMed 25589632 (cited by Labcorp Genetics (formerly Invitae), Labcorp); PubMed 18948003 (cited by Labcorp Genetics (formerly Invitae), Labcorp); PubMed 23975875 (cited by Labcorp Genetics (formerly Invitae), Labcorp); PubMed 24395473 (cited by Labcorp Genetics (formerly Invitae), Labcorp); PubMed 27869827 (cited by Labcorp Genetics (formerly Invitae), Labcorp); PubMed 32964742 (cited by Labcorp Genetics (formerly Invitae), Labcorp).